The following is an entry in ClinVar:

ClinVar aggregate classification (germline): Uncertain significance. Review status: criteria provided, multiple submitters, no conflicts (2 of 4 stars). 2 submissions from 2 submitters: Uncertain significance (2). Last evaluated 2024-05-29.

Conditions:
Early Myoclonic Encephalopathy. Identifiers: MedGen C0270855.

Allele frequency attached by ClinVar (database versions not stated): gnomAD exomes below 0.00001.

Submissions (2):

Ambry Genetics
Classification: Uncertain significance. Last evaluated: 2024-05-29. Review status: criteria provided, single submitter. Criteria: Ambry Variant Classification Scheme 2023. Collection method: clinical testing. Allele origin: germline.

Labcorp Genetics (formerly Invitae), Labcorp
Classification: Uncertain significance for Early Myoclonic Encephalopathy. Last evaluated: 2020-06-16. Review status: criteria provided, single submitter. Criteria: Invitae Variant Classification Sherloc (09022015). Collection method: clinical testing. Allele origin: germline.
Comment: In summary, the available evidence is currently insufficient to determine the role of this variant in disease. Therefore, it has been classified as a Variant of Uncertain Significance. Algorithms developed to predict the effect of missense changes on protein structure and function output the following: SIFT: "Tolerated"; PolyPhen-2: "Benign"; Align-GVGD: "Class C0". The leucine amino acid residue is found in multiple mammalian species, suggesting that this missense change does not adversely affect protein function. These predictions have not been confirmed by published functional studies and their clinical significance is uncertain. This variant has not been reported in the literature in individuals with JMJD1C-related conditions. This variant is not present in population databases (ExAC no frequency). This sequence change replaces valine with leucine at codon 2534 of the JMJD1C protein (p.Val2534Leu). The valine residue is moderately conserved and there is a small physicochemical difference between valine and leucine.

NM_032776.3(JMJD1C):c.7600G>C (p.Val2534Leu)

Gene: JMJD1C (jumonji domain containing 1C; minus strand). Cytogenetic location: 10q21.3.
Variant type: single nucleotide variant.
Coding change: c.7600G>C on transcript NM_032776.3 (MANE Select); coding-DNA position 7600, G replaced by C.
Protein change: p.Val2534Leu; replaces valine 2534 with leucine.
Molecular consequence: missense variant. On other transcripts: non-coding transcript variant (1).
Genome position (GRCh38, 1-based): chr10:63,168,068, C>G on the plus strand (G>C on the coding strand, the complement: JMJD1C is on the minus strand). VCF-style: chr10-63168068-C-G. GRCh37 (hg19) VCF-style: chr10-64927828-C-G.
Other names: c.7054G>C, p.Val2352Leu (NM_001282948.2, NM_001318154.2); c.6736G>C, p.Val2246Leu (NM_001318153.2); c.7486G>C, p.Val2496Leu (NM_001322252.2); c.6943G>C, p.Val2315Leu (NM_001322254.2, NM_001322258.2); c.7600G>C (NM_032776.1); short protein forms V2352L, V2534L, V2315L, V2246L, V2496L.
Identifiers: ClinVar variation 1043158 (VCV001043158.9), dbSNP rs1473714251, ClinGen allele CA377017616.